The following is an entry in ClinVar:

NM_000282.4(PCCA):c.449_450del (p.Lys150fs)

Gene: PCCA (propionyl-CoA carboxylase subunit alpha; plus strand). Cytogenetic location: 13q32.3.
Variant type: Deletion.
Coding change: c.449_450del on transcript NM_000282.4 (MANE Select); coding-DNA positions 449 to 450, 2 bases deleted (AA; older notation c.449_450delAA).
Protein change: p.Lys150fs; shifts the reading frame from lysine 150.
Molecular consequence: frameshift variant. On other transcripts: 5 prime UTR variant (3), non-coding transcript variant (5).
Genome position (GRCh38, 1-based): chr13:100,157,321-100,157,322, AA deleted; deleting any 2 consecutive bases within chr13:100,157,320-100,157,322 gives the same sequence; the c. name uses the placement nearest the transcript's 3' end. VCF-style (leftmost placement, unchanged base first): chr13-100157319-CAA-C. GRCh37 (hg19) VCF-style: chr13-100809573-CAA-C.
Other names: c.371_372del, p.Lys124fs (NM_001127692.3, NM_001352607.2, NM_001352608.2); c.449_450del, p.Lys150fs (NM_001178004.2, NM_001352605.2, NM_001352606.2 and 1 more transcripts); c.-418_-417del (NM_001352610.2, NM_001352611.2, NM_001352612.2); short protein forms K124fs, K150fs.
Identifiers: ClinVar variation 1984158 (VCV001984158.5), dbSNP rs2542895259, ClinGen allele CA2580086937.

ClinVar aggregate classification (germline): Pathogenic. Review status: criteria provided, multiple submitters, no conflicts (2 of 4 stars). 2 submissions from 2 submitters: Pathogenic (2). Last evaluated 2025-07-05.

Conditions:
Propionic acidemia (PROP). Also called: GLYCINEMIA, KETOTIC; HYPERGLYCINEMIA WITH KETOACIDOSIS AND LEUKOPENIA; KETOTIC HYPERGLYCINEMIA. Identifiers: Orphanet 35, MedGen C0268579, MONDO:0011628, OMIM 606054, HP:0003571.

Submissions (2):

Myriad Genetics, Inc.
Classification: Pathogenic for Propionic acidemia. Last evaluated: 2025-07-05. Review status: criteria provided, single submitter. Criteria: Myriad Autosomal Dominant, Autosomal Recessive and X-Linked Classification Criteria (2023). Collection method: clinical testing. Allele origin: unknown.
Comment: NM_000282.3(PCCA):c.449_450delAA(K150Rfs*17) is expected to be pathogenic in the context of PCCA-related propionic acidemia. This variant is predicted to lead to an abnormal or absent protein product due to the creation of a premature termination codon in PCCA, a gene where loss-of-function variants are known to be pathogenic. Please note: this variant was assessed in the context of healthy population screening.

Labcorp Genetics (formerly Invitae), Labcorp
Classification: Pathogenic for Propionic acidemia. Last evaluated: 2022-07-15. Review status: criteria provided, single submitter. Criteria: Invitae Variant Classification Sherloc (09022015). Collection method: clinical testing. Allele origin: germline.
Comment: This sequence change creates a premature translational stop signal (p.Lys150Argfs*17) in the PCCA gene. It is expected to result in an absent or disrupted protein product. Loss-of-function variants in PCCA are known to be pathogenic (PMID: 15464417). This variant is not present in population databases (gnomAD no frequency). This variant has not been reported in the literature in individuals affected with PCCA-related conditions. For these reasons, this variant has been classified as Pathogenic.

Literature cited by the submitters: PubMed 15464417 (cited by Labcorp Genetics (formerly Invitae), Labcorp).